The following is an entry in ClinVar:

ClinVar aggregate classification (germline): Uncertain significance. Review status: criteria provided, multiple submitters, no conflicts (2 of 4 stars). 2 submissions from 2 submitters: Uncertain significance (2). Last evaluated 2025-04-03.

Conditions:
Neuropathy, hereditary sensory and autonomic, type 2A (HSAN2A). Also called: MORVAN DISEASE; NEUROPATHY, CONGENITAL SENSORY; NEUROPATHY, HEREDITARY SENSORY RADICULAR, AUTOSOMAL RECESSIVE; NEUROPATHY, HEREDITARY SENSORY, TYPE IIA; NEUROPATHY, PROGRESSIVE SENSORY, OF CHILDREN; WNK1-Related HSAN2 (HSAN2A). Identifiers: Orphanet 970, MedGen C2752089, MONDO:0024309, OMIM 201300.
Pseudohypoaldosteronism type 2C (PHA2C). Also called: Pseudohypoaldosteronism Type IIC. Identifiers: Orphanet 757, Orphanet 88940, MedGen C1840391, MONDO:0013778, OMIM 614492.

Allele frequency attached by ClinVar (database versions not stated): gnomAD exomes below 0.00001.
gnomAD v4.1: 2 of 1,614,018 alleles (0.00012%); highest among the groups gnomAD compares: Admixed American, 0.0017%; no homozygotes.

Submissions (2):

Women's Health and Genetics/Laboratory Corporation of America, LabCorp
Classification: Uncertain significance. Last evaluated: 2025-04-03. Review status: criteria provided, single submitter. Criteria: LabCorp Variant Classification Summary - May 2015. Collection method: clinical testing. Allele origin: germline.
Comment: Variant summary: WNK1 c.2227C>G (p.Gln743Glu) results in a conservative amino acid change in the encoded protein sequence. Five of five in-silico tools predict a benign effect of the variant on protein function. The variant allele was found at a frequency of 4e-06 in 251442 control chromosomes. The available data on variant occurrences in the general population are insufficient to allow any conclusion about variant significance. To our knowledge, no occurrence of c.2227C>G in individuals affected with Neuropathy, hereditary sensory and autonomic, type 2A and no experimental evidence demonstrating its impact on protein function have been reported. ClinVar contains an entry for this variant (Variation ID: 1041371). Based on the evidence outlined above, the variant was classified as uncertain significance.

Labcorp Genetics (formerly Invitae), Labcorp
Classification: Uncertain significance for Neuropathy, hereditary sensory and autonomic, type 2A; Pseudohypoaldosteronism type 2C. Last evaluated: 2020-04-20. Review status: criteria provided, single submitter. Criteria: Invitae Variant Classification Sherloc (09022015). Collection method: clinical testing. Allele origin: germline.
Comment: This variant has not been reported in the literature in individuals with WNK1-related conditions. Algorithms developed to predict the effect of missense changes on protein structure and function are either unavailable or do not agree on the potential impact of this missense change (SIFT: "Tolerated"; PolyPhen-2: "Not Available"; Align-GVGD: "Class C0"). This sequence change replaces glutamine with glutamic acid at codon 1241 of the WNK1 protein (p.Gln1241Glu). The glutamine residue is weakly conserved and there is a small physicochemical difference between glutamine and glutamic acid. This variant is not present in population databases (ExAC no frequency). In summary, the available evidence is currently insufficient to determine the role of this variant in disease. Therefore, it has been classified as a Variant of Uncertain Significance.

NM_018979.4(WNK1):c.2227C>G (p.Gln743Glu)

Gene: WNK1 (WNK lysine deficient protein kinase 1; plus strand). Cytogenetic location: 12p13.33.
Variant type: single nucleotide variant.
Coding change: c.2227C>G on transcript NM_018979.4 (MANE Select); coding-DNA position 2227, C replaced by G.
Protein change: p.Gln743Glu; replaces glutamine 743 with glutamic acid.
Molecular consequence: missense variant.
Genome position (GRCh38, 1-based): chr12:878,215, C>G. VCF-style: chr12-878215-C-G. GRCh37 (hg19) VCF-style: chr12-987381-C-G.
Other names: c.3466C>G, p.Gln1156Glu (NM_001184985.2); c.2224C>G, p.Gln742Glu (NM_014823.3); c.3721C>G, p.Gln1241Glu (NM_213655.5); short protein forms Q743E, Q742E, Q1156E, Q1241E.
Identifiers: ClinVar variation 1041371 (VCV001041371.10), dbSNP rs1290157519, ClinGen allele CA383325568.